The following is an entry in ClinVar:

NM_006618.5(KDM5B):c.4410dup (p.Asp1471fs)

Gene: KDM5B (lysine demethylase 5B; minus strand). Cytogenetic location: 1q32.1.
Variant type: Duplication.
Coding change: c.4410dup on transcript NM_006618.5 (MANE Select); coding-DNA position 4410, one base duplicated (A; older notation c.4410dupA).
Protein change: p.Asp1471fs; shifts the reading frame from aspartic acid 1471.
Molecular consequence: frameshift variant.
Genome position (GRCh38, 1-based): chr1:202,729,794, T duplicated on the plus strand (A on the coding strand, the reverse complement: KDM5B is on the minus strand). VCF-style (leftmost placement, unchanged base first): chr1-202729793-C-CT. GRCh37 (hg19) VCF-style: chr1-202698921-C-CT.
Other names: c.4518dup, p.Asp1507fs (NM_001314042.2); c.4275dup, p.Asp1426fs (NM_001347591.2); c.4395dup, p.Asp1466fs (NM_001399817.1); short protein forms D1426fs, D1471fs, D1507fs, D1466fs.
Identifiers: ClinVar variation 1307409 (VCV001307409.3), dbSNP rs2102207344, ClinGen allele CA2573051462.

ClinVar aggregate classification (germline): Uncertain significance (1 of 4 stars; one submission).

Submission:

GeneDx
Classification: Uncertain significance. Last evaluated: 2019-07-24. Review status: criteria provided, single submitter. Criteria: GeneDx Variant Classification Process June 2021. Collection method: clinical testing. Allele origin: germline. Affected: yes.
Comment: Not observed in large population cohorts (Lek et al., 2016); Frameshift variant predicted to result in protein truncation as the last 74 amino acids are lost and replaced with 10 incorrect amino acids, although loss-of-function variants have not been reported downstream of this position in the protein; Has not been previously published as pathogenic or benign to our knowledge